The following is an entry in ClinVar:

NM_177438.3(DICER1):c.2787T>G (p.Asp929Glu)

Gene: DICER1 (dicer 1, ribonuclease III; minus strand). Cytogenetic location: 14q32.13.
Variant type: single nucleotide variant.
Coding change: c.2787T>G on transcript NM_177438.3 (MANE Select); coding-DNA position 2787, T replaced by G.
Protein change: p.Asp929Glu; replaces aspartic acid 929 with glutamic acid.
Molecular consequence: missense variant.
Genome position (GRCh38, 1-based): chr14:95,107,625, A>C on the plus strand (T>G on the coding strand, the complement: DICER1 is on the minus strand). VCF-style: chr14-95107625-A-C. GRCh37 (hg19) VCF-style: chr14-95573962-A-C.
Other names: c.2787T>G, p.Asp929Glu (NM_001195573.1, NM_001271282.3, NM_001291628.2 and 1 more transcripts); short protein forms D929E.
Identifiers: ClinVar variation 947546 (VCV000947546.11), dbSNP rs1891553312, ClinGen allele CA390879432.

ClinVar aggregate classification (germline): Uncertain significance (1 of 4 stars; one submission).

Conditions:
DICER1-related tumor predisposition. Also called: DICER1-related pleuropulmonary blastoma cancer predisposition syndrome; DICER1 syndrome. Identifiers: Orphanet 284343, MedGen C3839822, MONDO:0100216.

Submission:

Labcorp Genetics (formerly Invitae), Labcorp
Classification: Uncertain significance for DICER1-related tumor predisposition. Last evaluated: 2019-08-18. Review status: criteria provided, single submitter. Criteria: Invitae Variant Classification Sherloc (09022015). Collection method: clinical testing. Allele origin: germline.
Comment: In summary, the available evidence is currently insufficient to determine the role of this variant in disease. Therefore, it has been classified as a Variant of Uncertain Significance. Algorithms developed to predict the effect of missense changes on protein structure and function (SIFT, PolyPhen-2, Align-GVGD) all suggest that this variant is likely to be disruptive, but these predictions have not been confirmed by published functional studies and their clinical significance is uncertain. This variant has not been reported in the literature in individuals with DICER1-related conditions. This variant is not present in population databases (ExAC no frequency). This sequence change replaces aspartic acid with glutamic acid at codon 929 of the DICER1 protein (p.Asp929Glu). The aspartic acid residue is highly conserved and there is a small physicochemical difference between aspartic acid and glutamic acid.